The following is an entry in ClinVar:

NM_001312673.2(PCYT1A):c.850G>T (p.Glu284Ter)

Gene: PCYT1A (phosphate cytidylyltransferase 1A, choline; minus strand). Cytogenetic location: 3q29.
Variant type: single nucleotide variant.
Coding change: c.850G>T on transcript NM_001312673.2 (MANE Select); coding-DNA position 850, G replaced by T.
Protein change: p.Glu284Ter; replaces glutamic acid 284 with a stop codon.
Molecular consequence: nonsense.
Genome position (GRCh38, 1-based): chr3:196,239,594, C>A on the plus strand (G>T on the coding strand, the complement: PCYT1A is on the minus strand). VCF-style: chr3-196239594-C-A. GRCh37 (hg19) VCF-style: chr3-195966465-C-A.
Other names: c.850G>T, p.Glu284Ter (NM_005017.4); short protein forms E284*.
Identifiers: ClinVar variation 1032965 (VCV001032965.1), dbSNP rs1724289595, ClinGen allele CA355608481.

ClinVar aggregate classification (germline): Pathogenic (1 of 4 stars; one submission).

Conditions:
Spondylometaphyseal dysplasia-cone-rod dystrophy syndrome. Identifiers: Orphanet 85167, MedGen C1837073, MONDO:0012160, OMIM 608940.

Allele frequency attached by ClinVar (database versions not stated): gnomAD exomes below 0.00001.
gnomAD v4.1: 2 of 1,613,412 alleles (0.00012%); highest among the groups gnomAD compares: Non-Finnish European, 0.00017%; no homozygotes.

Submission:

Baylor Genetics
Classification: Pathogenic for Spondylometaphyseal dysplasia-cone-rod dystrophy syndrome. Last evaluated: 2018-02-21. Review status: criteria provided, single submitter. Criteria: ACMG Guidelines, 2015. Collection method: clinical testing. Allele origin: maternal. Affected: yes.
Comment: This variant was determined to be pathogenic according to ACMG Guidelines, 2015 [PMID:25741868].